The following is an entry in ClinVar:

NM_000081.4(LYST):c.7504C>G (p.Gln2502Glu)

Gene: LYST (lysosomal trafficking regulator; minus strand). Cytogenetic location: 1q42.3.
Variant type: single nucleotide variant.
Coding change: c.7504C>G on transcript NM_000081.4 (MANE Select); coding-DNA position 7504, C replaced by G.
Protein change: p.Gln2502Glu; replaces glutamine 2502 with glutamic acid.
Molecular consequence: missense variant.
Genome position (GRCh38, 1-based): chr1:235,752,128, G>C on the plus strand (C>G on the coding strand, the complement: LYST is on the minus strand). VCF-style: chr1-235752128-G-C. GRCh37 (hg19) VCF-style: chr1-235915428-G-C.
Other names: c.7504C>G, p.Gln2502Glu (NM_001301365.1); short protein forms Q2502E.
Identifiers: ClinVar variation 1900352 (VCV001900352.5), dbSNP rs2527722471, ClinGen allele CA344930804.

ClinVar aggregate classification (germline): Uncertain significance (1 of 4 stars; one submission).

Conditions:
Chédiak-Higashi syndrome (CHS). Also called: Chediak-Higashi Syndrome. Identifiers: Orphanet 167, MedGen C0007965, MONDO:0008963, OMIM 214500.

gnomAD v4.1: 1 of 1,611,766 alleles (0.000062%); no homozygotes.

Submission:

Labcorp Genetics (formerly Invitae), Labcorp
Classification: Uncertain significance for Chédiak-Higashi syndrome. Last evaluated: 2022-03-20. Review status: criteria provided, single submitter. Criteria: Invitae Variant Classification Sherloc (09022015). Collection method: clinical testing. Allele origin: germline.
Comment: In summary, the available evidence is currently insufficient to determine the role of this variant in disease. Therefore, it has been classified as a Variant of Uncertain Significance. Algorithms developed to predict the effect of missense changes on protein structure and function (SIFT, PolyPhen-2, Align-GVGD) all suggest that this variant is likely to be tolerated. This variant has not been reported in the literature in individuals affected with LYST-related conditions. This variant is not present in population databases (gnomAD no frequency). This sequence change replaces glutamine, which is neutral and polar, with glutamic acid, which is acidic and polar, at codon 2502 of the LYST protein (p.Gln2502Glu).